The following is an entry in ClinVar:

NM_017780.4(CHD7):c.6782C>T (p.Ala2261Val)

Gene: CHD7 (chromodomain helicase DNA binding protein 7; plus strand). Cytogenetic location: 8q12.2.
Variant type: single nucleotide variant.
Coding change: c.6782C>T on transcript NM_017780.4 (MANE Select); coding-DNA position 6782, C replaced by T.
Protein change: p.Ala2261Val; replaces alanine 2261 with valine.
Molecular consequence: missense variant. On other transcripts: intron variant (1).
Genome position (GRCh38, 1-based): chr8:60,854,369, C>T. VCF-style: chr8-60854369-C-T. GRCh37 (hg19) VCF-style: chr8-61766928-C-T.
Other names: c.6782C>T (NM_017780.3); c.1717-7860C>T (NM_001316690.1); short protein forms A2261V.
Identifiers: ClinVar variation 1411516 (VCV001411516.13), dbSNP rs1047690374, ClinGen allele CA177319552.

ClinVar aggregate classification (germline): Uncertain significance. Review status: criteria provided, multiple submitters, no conflicts (2 of 4 stars). 5 submissions from 5 submitters: Uncertain significance (4). 1 of the submissions does not count toward it. Last evaluated 2025-08-21.

Conditions:
Inborn genetic diseases. Identifiers: MedGen C0950123, MeSH D030342.
CHARGE syndrome (CHARGE). Also called: Hittner Hirsch Kreh syndrome; CHARGE ASSOCIATION--COLOBOMA, HEART ANOMALY, CHOANAL ATRESIA, RETARDATION, GENITAL AND EAR ANOMALIES; Coloboma, heart anomaly, choanal atresia, retardation, genital and ear anomalies; CHARGE association; Hall-Hittner syndrome. Identifiers: Orphanet 138, MedGen C0265354, MONDO:0008965.
CHD7-related disorder. Also called: CHD7-related condition.
Hypogonadotropic hypogonadism 5 with or without anosmia (KAL5). Also called: HYPOGONADOTROPIC HYPOGONADISM 5 WITH ANOSMIA; CHD7-Related GnRH Deficiency (Kallmann Syndrome 5); HYPOGONADOTROPHIC HYPOGONADISM 5 WITHOUT ANOSMIA. Identifiers: Orphanet 478, MedGen C3552553, MONDO:0012880, OMIM 612370. Disease mechanism: loss of function.

Allele frequency attached by ClinVar (database versions not stated): gnomAD exomes below 0.00001; TOPMed below 0.00001; gnomAD 0.00001.
gnomAD v4.1: 3 of 1,613,198 alleles (0.00019%); highest among the groups gnomAD compares: Admixed American, 0.005%; no homozygotes.

Submissions (5):

Ambry Genetics
Classification: Uncertain significance for Inborn genetic diseases. Last evaluated: 2025-08-21. Review status: criteria provided, single submitter. Criteria: Ambry Variant Classification Scheme 2023. Collection method: clinical testing. Allele origin: germline.

Labcorp Genetics (formerly Invitae), Labcorp
Classification: Uncertain significance for CHARGE syndrome. Last evaluated: 2023-10-22. Review status: criteria provided, single submitter. Criteria: Invitae Variant Classification Sherloc (09022015). Collection method: clinical testing. Allele origin: germline.
Comment: This sequence change replaces alanine, which is neutral and non-polar, with valine, which is neutral and non-polar, at codon 2261 of the CHD7 protein (p.Ala2261Val). This variant is not present in population databases (gnomAD no frequency). This variant has not been reported in the literature in individuals affected with CHD7-related conditions. ClinVar contains an entry for this variant (Variation ID: 1411516). Advanced modeling of protein sequence and biophysical properties (such as structural, functional, and spatial information, amino acid conservation, physicochemical variation, residue mobility, and thermodynamic stability) performed at Invitae indicates that this missense variant is not expected to disrupt CHD7 protein function. In summary, the available evidence is currently insufficient to determine the role of this variant in disease. Therefore, it has been classified as a Variant of Uncertain Significance.

GeneDx
Classification: Uncertain significance. Last evaluated: 2022-03-18. Review status: criteria provided, single submitter. Criteria: GeneDx Variant Classification Process June 2021. Collection method: clinical testing. Allele origin: germline. Affected: yes.
Comment: Not observed at significant frequency in large population cohorts (gnomAD); In silico analysis supports that this missense variant does not alter protein structure/function; Has not been previously published as pathogenic or benign to our knowledge

Fulgent Genetics
Classification: Uncertain significance for CHD7-related CHARGE syndrome; Hypogonadotropic hypogonadism 5 with or without anosmia. Last evaluated: 2021-12-07. Review status: criteria provided, single submitter. Criteria: ACMG Guidelines, 2015. Collection method: clinical testing. Allele origin: unknown.

PreventionGenetics, part of Exact Sciences
Classification: Uncertain significance for CHD7-related condition. Last evaluated: 2024-02-22. Review status: no assertion criteria provided. Collection method: clinical testing. Allele origin: germline. Not counted in ClinVar's aggregate classification.
Comment: The CHD7 c.6782C>T variant is predicted to result in the amino acid substitution p.Ala2261Val. To our knowledge, this variant has not been reported in the literature or in a large population database, indicating this variant is rare. At this time, the clinical significance of this variant is uncertain due to the absence of conclusive functional and genetic evidence.